The following is an entry in ClinVar:

NM_007259.5(VPS45):c.594A>G (p.Glu198=)

Gene: VPS45 (vacuolar protein sorting 45 homolog; plus strand). Cytogenetic location: 1q21.2.
Variant type: single nucleotide variant.
Coding change: c.594A>G on transcript NM_007259.5 (MANE Select); coding-DNA position 594, A replaced by G.
Protein change: p.Glu198=; no amino-acid change (glutamic acid 198 retained).
Molecular consequence: synonymous variant. On other transcripts: non-coding transcript variant (1).
Genome position (GRCh38, 1-based): chr1:150,077,686, A>G. VCF-style: chr1-150077686-A-G. GRCh37 (hg19) VCF-style: chr1-150049764-A-G.
Other names: c.279A>G, p.Glu93= (NM_001279353.2); c.486A>G, p.Glu162= (NM_001279354.2).
Identifiers: ClinVar variation 3044082 (VCV003044082.3), dbSNP rs1553798427, ClinGen allele CA420660608.

ClinVar aggregate classification (germline): Likely benign. Review status: criteria provided, single submitter (1 of 4 stars). 2 submissions from 2 submitters: Likely benign (1). 1 of the submissions does not count toward it. Last evaluated 2026-01-28.

Conditions:
Congenital neutropenia-myelofibrosis-nephromegaly syndrome. Also called: Severe congenital neutropenia 5, autosomal recessive. Identifiers: Orphanet 369852, MedGen C3809031, MONDO:0014118, OMIM 615285.
VPS45-related disorder. Also called: VPS45-related condition.

Allele frequency attached by ClinVar (database versions not stated): gnomAD exomes below 0.00001; TOPMed below 0.00001; gnomAD 0.00001.
gnomAD v4.1: 3 of 1,613,720 alleles (0.00019%); highest among the groups gnomAD compares: Non-Finnish European, 0.00025%; no homozygotes.

Submissions (2):

Labcorp Genetics (formerly Invitae), Labcorp
Classification: Likely benign for Congenital neutropenia-myelofibrosis-nephromegaly syndrome. Last evaluated: 2026-01-28. Review status: criteria provided, single submitter. Criteria: Invitae Variant Classification Sherloc (09022015). Collection method: clinical testing. Allele origin: germline.

PreventionGenetics, part of Exact Sciences
Classification: Likely benign for VPS45-related condition. Last evaluated: 2023-06-02. Review status: no assertion criteria provided. Collection method: clinical testing. Allele origin: germline. Not counted in ClinVar's aggregate classification.
Comment: This variant is classified as likely benign based on ACMG/AMP sequence variant interpretation guidelines (Richards et al. 2015 PMID: 25741868, with internal and published modifications).